The following is an entry in ClinVar:

ClinVar aggregate classification (germline): Pathogenic (1 of 4 stars; one submission).

Conditions:
Fabry disease. Also called: ALPHA-GALACTOSIDASE A DEFICIENCY; ANDERSON-FABRY DISEASE; CERAMIDE TRIHEXOSIDASE DEFICIENCY; GLA DEFICIENCY; HEREDITARY DYSTOPIC LIPIDOSIS; Angiokeratoma corporis diffusum. Identifiers: Orphanet 324, MedGen C0002986, MONDO:0010526, OMIM 301500, HP:0001071. Disease mechanism: Fabry disease is due to inactivating mutations in the X-linked GLA gene resulting in deficiency of the enzyme Alpha Galactosidase-A., loss of function.

Submission:

Genomenon, Inc
Classification: Pathogenic for Fabry disease. Last evaluated: 2026-09-08. Review status: criteria provided, single submitter. Criteria: Genomenon Sequence Variant Interpretation Standards - Updated. Collection method: curation. Allele origin: germline. Affected: yes.
Comment: GLA p.Gly361AspfsTer30 (c.1082del) is a frameshift variant that is predicted to introduce a premature termination codon and result in a truncated or absent protein product. This variant has been observed in at least one proband with clinical features consistent with Fabry disease (PMID:27560961). The variant was found to segregate with disease in at least one affected family (PMID:27560961). Functional or patient cell studies have been reported (PMID:27560961). It is absent or not present at a significant frequency in gnomAD. In conclusion, we classify GLA p.Gly361AspfsTer30 (c.1082del) as a pathogenic variant.

Literature cited by the submitters: PubMed 27560961.

NM_000169.3(GLA):c.1082del (p.Gly361fs)

Genes: GLA (galactosidase alpha; minus strand), RPL36A-HNRNPH2 (RPL36A-HNRNPH2 readthrough; plus strand). Cytogenetic location: Xq22.1.
Variant type: Deletion.
Coding change: c.1082del on transcript NM_000169.3 (MANE Select); coding-DNA position 1082, one base deleted (G; older notation c.1082delG).
Protein change: p.Gly361fs; shifts the reading frame from glycine 361.
Molecular consequence: frameshift variant. On other transcripts: non-coding transcript variant (3), intron variant (2).
Genome position (GRCh38, 1-based): chrX:101,398,017, C deleted on the plus strand (G on the coding strand, the reverse complement: GLA is on the minus strand); the first of 2 consecutive C bases (chrX:101,398,017-101,398,018); deleting either gives the same sequence. VCF-style (leftmost placement, unchanged base first): chrX-101398016-TC-T. GRCh37 (hg19) VCF-style: chrX-100653004-TC-T.
Other names: c.1205del, p.Gly402fs (NM_001406747.1); c.300+2561del (NM_001199973.2); c.177+6196del (NM_001199974.2); short protein forms G361fs, G402fs.
Identifiers: ClinVar variation 4087054 (VCV004087054.2).
Genomic context (GRCh38, chrX:101,398,016, plus strand): 5'-GGCAGGATTACAGGCCACTCCTTTACCCAGGGAAGCAACTGCGATGGTATAAGAGCGAGG[TC>T]CACCAATCTCCTGCCGGTTTATCATAGCTACAGCCCAGGCTAAGCCTGAGAGAGGTCGTT-3'